The following is an entry in ClinVar:

NM_001005361.3(DNM2):c.831G>A (p.Leu277=)

Gene: DNM2 (dynamin 2; plus strand). Cytogenetic location: 19p13.2.
Variant type: single nucleotide variant.
Coding change: c.831G>A on transcript NM_001005361.3 (MANE Select); coding-DNA position 831, G replaced by A.
Protein change: p.Leu277=; no amino-acid change (leucine 277 retained).
Molecular consequence: synonymous variant.
Genome position (GRCh38, 1-based): chr19:10,783,102, G>A. VCF-style: chr19-10783102-G-A. GRCh37 (hg19) VCF-style: chr19-10893778-G-A.
Other names: c.831G>A, p.Leu277= (NM_001005360.3, NM_001005362.3, NM_001190716.2 and 1 more transcripts).
Identifiers: ClinVar variation 507135 (VCV000507135.3), dbSNP rs1555707690, ClinGen allele CA505494716.
Genomic context (GRCh38, chr19:10,783,102, plus strand): 5'-GTTCTTCCTCTCCCACCCGGCCTACCGGCACATGGCCGACCGCATGGGCACGCCACATCT[G>A]CAGAAGACGCTGAATCAGGTACTGCAAGGGTTTGCACGTAGTGTGCAGTGGCATAGGCTG-3'
Protein context (NP_001005361.1, residues 267-287): HMADRMGTPH[Leu277=]QKTLNQQLTN

ClinVar aggregate classification (germline): Likely benign. Review status: criteria provided, multiple submitters, no conflicts (2 of 4 stars). 2 submissions from 2 submitters: Likely benign (2). Last evaluated 2019-07-11.

Conditions:
Inborn genetic diseases. Identifiers: MedGen C0950123, MeSH D030342.

Allele frequency attached by ClinVar (database versions not stated): gnomAD exomes below 0.00001.
gnomAD v4.1: 1 of 1,612,394 alleles (0.000062%); no homozygotes.

Submissions (2):

Ambry Genetics
Classification: Likely benign for Inborn genetic diseases. Last evaluated: 2019-07-11. Review status: criteria provided, single submitter. Criteria: Ambry Variant Classification Scheme 2023. Collection method: clinical testing. Allele origin: germline.

GeneDx
Classification: Likely benign. Last evaluated: 2017-01-28. Review status: criteria provided, single submitter. Criteria: GeneDx Variant Classification (06012015). Collection method: clinical testing. Allele origin: germline. Affected: yes.
Comment: This variant is considered likely benign or benign based on one or more of the following criteria: it is a conservative change, it occurs at a poorly conserved position in the protein, it is predicted to be benign by multiple in silico algorithms, and/or has population frequency not consistent with disease.